The following is an entry in ClinVar:

NM_005529.7(HSPG2):c.5356G>A (p.Gly1786Arg)

Gene: HSPG2 (heparan sulfate proteoglycan 2; minus strand). Cytogenetic location: 1p36.12.
Variant type: single nucleotide variant.
Coding change: c.5356G>A on transcript NM_005529.7 (MANE Select); coding-DNA position 5356, G replaced by A.
Protein change: p.Gly1786Arg; replaces glycine 1786 with arginine.
Molecular consequence: missense variant.
Genome position (GRCh38, 1-based): chr1:21,857,323, C>T on the plus strand (G>A on the coding strand, the complement: HSPG2 is on the minus strand). VCF-style: chr1-21857323-C-T. GRCh37 (hg19) VCF-style: chr1-22183816-C-T.
Other names: c.5359G>A, p.Gly1787Arg (NM_001291860.2); short protein forms G1786R, G1787R.
Identifiers: ClinVar variation 424092 (VCV000424092.4), dbSNP rs766592389, ClinGen allele CA671952.

ClinVar aggregate classification (germline): Uncertain significance. Review status: criteria provided, multiple submitters, no conflicts (2 of 4 stars). 2 submissions from 2 submitters: Uncertain significance (2). Last evaluated 2026-01-30.

Conditions:
Inborn genetic diseases. Identifiers: MedGen C0950123, MeSH D030342.

Allele frequency attached by ClinVar (database versions not stated): gnomAD exomes 0.00001; ExAC 0.00002; gnomAD 0.00002 and 0.00003; TOPMed 0.00003.
gnomAD v4.1: 21 of 1,613,972 alleles (0.0013%); highest among the groups gnomAD compares: Admixed American, 0.0083%; no homozygotes.

Submissions (2):

GeneDx
Classification: Uncertain significance. Last evaluated: 2026-01-30. Review status: criteria provided, single submitter. Criteria: GeneDx Variant Classification Process June 2021. Collection method: clinical testing. Allele origin: germline. Affected: yes.
Comment: Not observed at significant frequency in large population cohorts (gnomAD); In silico analysis supports that this missense variant has a deleterious effect on protein structure/function; Has not been previously published as pathogenic or benign to our knowledge

Ambry Genetics
Classification: Uncertain significance for Inborn genetic diseases. Last evaluated: 2025-03-26. Review status: criteria provided, single submitter. Criteria: Ambry Variant Classification Scheme 2023. Collection method: clinical testing. Allele origin: germline.